The following is an entry in ClinVar:

ClinVar aggregate classification (germline): Uncertain significance (1 of 4 stars; one submission).

Submission:

Labcorp Genetics (formerly Invitae), Labcorp
Classification: Uncertain significance. Last evaluated: 2021-04-10. Review status: criteria provided, single submitter. Criteria: Invitae Variant Classification Sherloc (09022015). Collection method: clinical testing. Allele origin: germline.
Comment: In summary, the available evidence is currently insufficient to determine the role of this variant in disease. Therefore, it has been classified as a Variant of Uncertain Significance. Algorithms developed to predict the effect of sequence changes on RNA splicing suggest that this variant may create or strengthen a splice site, but this prediction has not been confirmed by published transcriptional studies. Algorithms developed to predict the effect of missense changes on protein structure and function (SIFT, PolyPhen-2, Align-GVGD) all suggest that this variant is likely to be disruptive, but these predictions have not been confirmed by published functional studies and their clinical significance is uncertain. This variant has not been reported in the literature in individuals with POLE-related conditions. This variant is not present in population databases (ExAC no frequency). This sequence change replaces leucine with glutamine at codon 1151 of the POLE protein (p.Leu1151Gln). The leucine residue is highly conserved and there is a moderate physicochemical difference between leucine and glutamine.

NM_006231.4(POLE):c.3452T>A (p.Leu1151Gln)

Gene: POLE (DNA polymerase epsilon, catalytic subunit; minus strand). Cytogenetic location: 12q24.33.
Variant type: single nucleotide variant.
Coding change: c.3452T>A on transcript NM_006231.4 (MANE Select); coding-DNA position 3452, T replaced by A.
Protein change: p.Leu1151Gln; replaces leucine 1151 with glutamine.
Molecular consequence: missense variant.
Genome position (GRCh38, 1-based): chr12:132,657,356, A>T on the plus strand (T>A on the coding strand, the complement: POLE is on the minus strand). VCF-style: chr12-132657356-A-T. GRCh37 (hg19) VCF-style: chr12-133233942-A-T.
Other names: short protein forms L1151Q.
Identifiers: ClinVar variation 1492062 (VCV001492062.8), dbSNP rs2042567572, ClinGen allele CA387388968.